The following is an entry in ClinVar:

ClinVar aggregate classification (germline): Uncertain significance (1 of 4 stars; one submission).

Conditions:
Progressive myoclonic epilepsy type 5. Identifiers: Orphanet 402082, MedGen C5190799.

Allele frequency attached by ClinVar (database versions not stated): gnomAD exomes 0.00001; gnomAD 0.00002; TOPMed 0.00002; ExAC 0.00003; ESP Exome Variant Server 0.00008; 1000 Genomes Project 30x 0.00016; 1000 Genomes Project 0.00020.
gnomAD v4.1: 22 of 1,614,048 alleles (0.0014%); highest among the groups gnomAD compares: East Asian, 0.016%; no homozygotes.

Submission:

Labcorp Genetics (formerly Invitae), Labcorp
Classification: Uncertain significance for Progressive myoclonic epilepsy type 5. Last evaluated: 2022-06-23. Review status: criteria provided, single submitter. Criteria: Invitae Variant Classification Sherloc (09022015). Collection method: clinical testing. Allele origin: germline.
Comment: In summary, the available evidence is currently insufficient to determine the role of this variant in disease. Therefore, it has been classified as a Variant of Uncertain Significance. Algorithms developed to predict the effect of missense changes on protein structure and function are either unavailable or do not agree on the potential impact of this missense change (SIFT: "Deleterious"; PolyPhen-2: "Possibly Damaging"; Align-GVGD: "Class C0"). This variant has not been reported in the literature in individuals affected with PRICKLE2-related conditions. This variant is present in population databases (rs199925718, gnomAD 0.02%). This sequence change replaces arginine, which is basic and polar, with glutamine, which is neutral and polar, at codon 519 of the PRICKLE2 protein (p.Arg519Gln).

NM_198859.4(PRICKLE2):c.1556G>A (p.Arg519Gln)

Gene: PRICKLE2 (prickle planar cell polarity protein 2; minus strand). Cytogenetic location: 3p14.1.
Variant type: single nucleotide variant.
Coding change: c.1556G>A on transcript NM_198859.4 (MANE Select); coding-DNA position 1556, G replaced by A.
Protein change: p.Arg519Gln; replaces arginine 519 with glutamine.
Molecular consequence: missense variant.
Genome position (GRCh38, 1-based): chr3:64,146,934, C>T on the plus strand (G>A on the coding strand, the complement: PRICKLE2 is on the minus strand). VCF-style: chr3-64146934-C-T. GRCh37 (hg19) VCF-style: chr3-64132610-C-T.
Other names: c.1556G>A, p.Arg519Gln (NM_001370528.1); short protein forms R519Q.
Identifiers: ClinVar variation 2051618 (VCV002051618.4), dbSNP rs199925718, ClinGen allele CA2479607.
Genomic context (GRCh38, chr3:64,146,934, plus strand): 5'-GTCTGCTCTGTGGGCGTCATGTCCTCTGTGTATTTCAGGGAACTGATGGGATGACGGGTC[C>T]GACACTGCTGAGTGGACAAGCCCCCTTCCTCTTCCTCTTCCTCCTCATATTTGGGGACTT-3'
Protein context (NP_942559.1, residues 509-529): EEGGLSTQQC[Arg519Gln]TRHPISSLKY